The following is an entry in ClinVar:

ClinVar aggregate classification (germline): Uncertain significance (1 of 4 stars; one submission).

Submission:

Labcorp Genetics (formerly Invitae), Labcorp
Classification: Uncertain significance. Last evaluated: 2021-04-27. Review status: criteria provided, single submitter. Criteria: Invitae Variant Classification Sherloc (09022015). Collection method: clinical testing. Allele origin: germline.
Comment: In summary, the available evidence is currently insufficient to determine the role of this variant in disease. Therefore, it has been classified as a Variant of Uncertain Significance. This variant disrupts the C-terminus of the POC1B protein. Other variant(s) that disrupt this region (p.Arg452*) have been observed in individuals with POC1B-related conditions (PMID: 29377742). This suggests that this may be a clinically significant region of the protein. Experimental studies and prediction algorithms are not available or were not evaluated, and the functional significance of this variant is currently unknown. This variant has not been reported in the literature in individuals with POC1B-related conditions. This variant is a gross deletion of the genomic region encompassing exon(s) 11-12 of the POC1B gene. The 5' boundary is likely confined to intron 10. The 3' end of this event is unknown as it extends through the termination codon beyond the assayed region for this gene and may encompass additional genes. While this deletion is not anticipated to lead to nonsense mediated decay, it is expected to alter mRNA translation or result in a truncated protein product.

Literature cited by the submitters: PubMed 29377742.

NC_000012.11:g.(?_89814930)_(89819176_?)del

Gene: POC1B (POC1 centriolar protein B; minus strand). Cytogenetic location: 12q21.33.
Variant type: Deletion.
Identifiers: ClinVar variation 1444300 (VCV001444300.6).